The following is an entry in ClinVar:

NM_017755.6(NSUN2):c.1994C>G (p.Ser665Cys)

Gene: NSUN2 (NOP2/Sun RNA methyltransferase 2; minus strand). Cytogenetic location: 5p15.31.
Variant type: single nucleotide variant.
Coding change: c.1994C>G on transcript NM_017755.6 (MANE Select); coding-DNA position 1994, C replaced by G.
Protein change: p.Ser665Cys; replaces serine 665 with cysteine.
Molecular consequence: missense variant. On other transcripts: non-coding transcript variant (1).
Genome position (GRCh38, 1-based): chr5:6,602,464, G>C on the plus strand (C>G on the coding strand, the complement: NSUN2 is on the minus strand). VCF-style: chr5-6602464-G-C. GRCh37 (hg19) VCF-style: chr5-6602577-G-C.
Other names: c.1889C>G, p.Ser630Cys (NM_001193455.2); short protein forms S630C, S665C.
Identifiers: ClinVar variation 1715524 (VCV001715524.3), dbSNP rs771596378, ClinGen allele CA359112940.

ClinVar aggregate classification (germline): Uncertain significance (1 of 4 stars; one submission).

Submission:

Labcorp Genetics (formerly Invitae), Labcorp
Classification: Uncertain significance. Last evaluated: 2022-08-15. Review status: criteria provided, single submitter. Criteria: Invitae Variant Classification Sherloc (09022015). Collection method: clinical testing. Allele origin: germline.
Comment: This sequence change replaces serine, which is neutral and polar, with cysteine, which is neutral and slightly polar, at codon 665 of the NSUN2 protein (p.Ser665Cys). This variant is not present in population databases (gnomAD no frequency). This variant has not been reported in the literature in individuals affected with NSUN2-related conditions. Algorithms developed to predict the effect of missense changes on protein structure and function are either unavailable or do not agree on the potential impact of this missense change (SIFT: "Deleterious"; PolyPhen-2: "Possibly Damaging"; Align-GVGD: "Class C0"). In summary, the available evidence is currently insufficient to determine the role of this variant in disease. Therefore, it has been classified as a Variant of Uncertain Significance.